The following is an entry in ClinVar:

ClinVar aggregate classification (germline): Benign/Likely benign. Review status: criteria provided, multiple submitters, no conflicts (2 of 4 stars). 3 submissions from 3 submitters: Benign (1); Likely benign (1). 1 of the submissions does not count toward it. Last evaluated 2024-11-27.

Conditions:
TCN1-related disorder. Also called: TCN1-related condition.
Transcobalamin I deficiency (TCN1D). Also called: COBALAMIN PSEUDODEFICIENCY DUE TO TRANSCOBALAMIN DEFICIENCY; COBALAMIN R BINDER PROTEIN DEFICIENCY; TCN1 DEFICIENCY. Identifiers: Orphanet 2967, MedGen C0342700, MONDO:0008659, OMIM 193090.

Allele frequency attached by ClinVar (database versions not stated): TOPMed 0.00003; gnomAD 0.00017; gnomAD exomes 0.00027 and 0.00052; ExAC 0.00059; 1000 Genomes Project 30x 0.00078; 1000 Genomes Project 0.00100.
gnomAD v4.1: 430 of 1,614,134 alleles (0.027%); highest among the groups gnomAD compares: South Asian, 0.44%; 4 homozygotes.

Submissions (3):

Blueprint Genetics
Classification: Likely benign. Last evaluated: 2024-11-27. Review status: criteria provided, single submitter. Criteria: ACMG Guidelines, 2015. Collection method: clinical testing. Allele origin: germline.

Labcorp Genetics (formerly Invitae), Labcorp
Classification: Benign for Transcobalamin I deficiency. Last evaluated: 2021-07-17. Review status: criteria provided, single submitter. Criteria: Invitae Variant Classification Sherloc (09022015). Collection method: clinical testing. Allele origin: germline.

PreventionGenetics, part of Exact Sciences
Classification: Likely benign for TCN1-related condition. Last evaluated: 2019-07-17. Review status: no assertion criteria provided. Collection method: clinical testing. Allele origin: germline. Not counted in ClinVar's aggregate classification.
Comment: This variant is classified as likely benign based on ACMG/AMP sequence variant interpretation guidelines (Richards et al. 2015 PMID: 25741868, with internal and published modifications).

NM_001062.4(TCN1):c.1221A>C (p.Gly407=)

Gene: TCN1 (transcobalamin 1; minus strand). Cytogenetic location: 11q12.1.
Variant type: single nucleotide variant.
Coding change: c.1221A>C on transcript NM_001062.4 (MANE Select); coding-DNA position 1221, A replaced by C.
Protein change: p.Gly407=; no amino-acid change (glycine 407 retained).
Molecular consequence: synonymous variant.
Genome position (GRCh38, 1-based): chr11:59,853,222, T>G on the plus strand (A>C on the coding strand, the complement: TCN1 is on the minus strand). VCF-style: chr11-59853222-T-G. GRCh37 (hg19) VCF-style: chr11-59620695-T-G.
Other names: c.1221A>C (NM_001062.3).
Identifiers: ClinVar variation 1659496 (VCV001659496.11), dbSNP rs571111927, ClinGen allele CA6021768.